The following is an entry in ClinVar:

ClinVar aggregate classification (germline): Uncertain significance (1 of 4 stars; one submission).

Submission:

Labcorp Genetics (formerly Invitae), Labcorp
Classification: Uncertain significance. Last evaluated: 2024-03-13. Review status: criteria provided, single submitter. Criteria: Invitae Variant Classification Sherloc (09022015). Collection method: clinical testing. Allele origin: germline.
Comment: This sequence change replaces alanine, which is neutral and non-polar, with glycine, which is neutral and non-polar, at codon 2131 of the FLNB protein (p.Ala2131Gly). This variant is not present in population databases (gnomAD no frequency). This variant has not been reported in the literature in individuals affected with FLNB-related conditions. Advanced modeling of protein sequence and biophysical properties (such as structural, functional, and spatial information, amino acid conservation, physicochemical variation, residue mobility, and thermodynamic stability) performed at Invitae indicates that this missense variant is not expected to disrupt FLNB protein function with a negative predictive value of 95%. In summary, the available evidence is currently insufficient to determine the role of this variant in disease. Therefore, it has been classified as a Variant of Uncertain Significance.

NM_001457.4(FLNB):c.6392C>G (p.Ala2131Gly)

Gene: FLNB (filamin B; plus strand). Cytogenetic location: 3p14.3.
Variant type: single nucleotide variant.
Coding change: c.6392C>G on transcript NM_001457.4 (MANE Select); coding-DNA position 6392, C replaced by G.
Protein change: p.Ala2131Gly; replaces alanine 2131 with glycine.
Molecular consequence: missense variant.
Genome position (GRCh38, 1-based): chr3:58,153,399, C>G. VCF-style: chr3-58153399-C-G. GRCh37 (hg19) VCF-style: chr3-58139126-C-G.
Other names: c.6485C>G, p.Ala2162Gly (NM_001164317.2); c.6359C>G, p.Ala2120Gly (NM_001164318.2); c.6320C>G, p.Ala2107Gly (NM_001164319.2); short protein forms A2107G, A2131G, A2162G, A2120G.
Identifiers: ClinVar variation 3635749 (VCV003635749.2).